The following is an entry in ClinVar:

ClinVar aggregate classification (germline): Uncertain significance (1 of 4 stars; one submission).

Conditions:
Hereditary cancer-predisposing syndrome. Also called: Tumor predisposition; Hereditary neoplastic syndrome; Neoplastic Syndromes, Hereditary; Hereditary Cancer Syndrome. Identifiers: Orphanet 140162, MedGen C0027672, MeSH D009386, MONDO:0015356.

Submission:

Ambry Genetics
Classification: Uncertain significance for Hereditary cancer-predisposing syndrome. Last evaluated: 2025-04-03. Review status: criteria provided, single submitter. Criteria: Ambry Variant Classification Scheme 2023. Collection method: clinical testing. Allele origin: germline.
Comment: The p.E963V variant (also known as c.2888A>T), located in coding exon 24 of the EGFR gene, results from an A to T substitution at nucleotide position 2888. The glutamic acid at codon 963 is replaced by valine, an amino acid with dissimilar properties. This amino acid position is conserved. In addition, the in silico prediction for this alteration is inconclusive. Based on the available evidence, the clinical significance of this variant remains unclear.

NM_005228.5(EGFR):c.2888A>T (p.Glu963Val)

Gene: EGFR (epidermal growth factor receptor; plus strand). Cytogenetic location: 7p11.2.
Variant type: single nucleotide variant.
Coding change: c.2888A>T on transcript NM_005228.5 (MANE Select); coding-DNA position 2888, A replaced by T.
Protein change: p.Glu963Val; replaces glutamic acid 963 with valine.
Molecular consequence: missense variant.
Genome position (GRCh38, 1-based): chr7:55,200,355, A>T. VCF-style: chr7-55200355-A-T. GRCh37 (hg19) VCF-style: chr7-55268048-A-T.
Other names: c.2753A>T, p.Glu918Val (NM_001346897.2, NM_001346899.2); c.2888A>T, p.Glu963Val (NM_001346898.2); c.2729A>T, p.Glu910Val (NM_001346900.2); c.2087A>T, p.Glu696Val (NM_001346941.2); short protein forms E910V, E696V, E963V, E918V.
Identifiers: ClinVar variation 4016718 (VCV004016718.1).